The following is an entry in ClinVar:

NM_001282680.3(GAPVD1):c.2506+6C>G

Gene: GAPVD1 (GTPase activating protein and VPS9 domains 1; plus strand). Cytogenetic location: 9q33.3.
Variant type: single nucleotide variant.
Coding change: c.2506+6C>G on transcript NM_001282680.3 (MANE Select); 6 bases into the intron after coding-DNA position 2506, C replaced by G.
Molecular consequence: intron variant.
Genome position (GRCh38, 1-based): chr9:125,337,101, C>G. VCF-style: chr9-125337101-C-G. GRCh37 (hg19) VCF-style: chr9-128099380-C-G.
Other names: c.2506+6C>G (NM_001354296.2, NM_001354301.2, NM_001354299.2 and 4 more transcripts); c.2443+6C>G (NM_001354297.2, NM_001354300.2, NM_001330777.3 and 1 more transcripts); c.2587+6C>G (NM_015635.4, NM_001354298.2).
Identifiers: ClinVar variation 3031714 (VCV003031714.2), dbSNP rs141725731, ClinGen allele CA5240474.

ClinVar aggregate classification (germline): Likely benign (0 of 4 stars; one submission).

Conditions:
GAPVD1-related disorder. Also called: GAPVD1-related condition.

Allele frequency attached by ClinVar (database versions not stated): gnomAD 0.00001; TOPMed 0.00001; ExAC 0.00002; 1000 Genomes Project 0.00020; 1000 Genomes Project 30x 0.00047.
gnomAD v4.1: 22 of 1,606,744 alleles (0.0014%); highest among the groups gnomAD compares: Middle Eastern, 0.017%; no homozygotes.

Submission:

PreventionGenetics, part of Exact Sciences
Classification: Likely benign for GAPVD1-related condition. Last evaluated: 2021-05-26. Review status: no assertion criteria provided. Collection method: clinical testing. Allele origin: germline.
Comment: This variant is classified as likely benign based on ACMG/AMP sequence variant interpretation guidelines (Richards et al. 2015 PMID: 25741868, with internal and published modifications).